The following continues an entry in ClinVar:

NM_175914.5(HNF4A):c.335G>A (p.Arg112Gln)

Gene: HNF4A. ClinVar aggregate classification (germline): Pathogenic. Pathogenic (1).

Submissions 8 to 11 of 11:

Women's Health and Genetics/Laboratory Corporation of America, LabCorp
Classification: Pathogenic for Maturity-onset diabetes of the young. Last evaluated: 2023-06-29. Review status: criteria provided, single submitter. Criteria: LabCorp Variant Classification Summary - May 2015. Collection method: clinical testing. Allele origin: germline. Not counted in ClinVar's aggregate classification.
Comment: Variant summary: HNF4A c.335G>A (p.Arg112Gln) results in a conservative amino acid change in the encoded protein sequence. Four of five in-silico tools predict a damaging effect of the variant on protein function. The variant was absent in 250614 control chromosomes. c.335G>A has been reported in the literature in individuals affected with Maturity Onset Diabetes of the Young 1 (MODY1)/Neonatal Diabetes Mellitus (e.g. Harries_2008, Alkorta-Aranburu_2014, Hamilton_2014, Sztromwasser_2020, Colcough_2022, Dusatkova_2022). These data indicate that the variant is very likely to be associated with disease. To our knowledge, no experimental evidence demonstrating an impact on protein function has been reported. The following publications have been ascertained in the context of this evaluation (PMID: 25306193, 34789499, 24285859, 18356407, 31825128). Five submitters have cited clinical-significance assessments for this variant to ClinVar after 2014. All submitters classified the variant as pathogenic/likely pathogenic. Based on the evidence outlined above, the variant was classified as pathogenic.

Institute of Human Genetics Munich, TUM University Hospital
Classification: Pathogenic for Maturity-onset diabetes of the young type 1. Last evaluated: 2023-06-23. Review status: criteria provided, single submitter. Criteria: Classification criteria August 2017. Collection method: clinical testing. Allele origin: de novo. Inheritance: Autosomal dominant inheritance. Affected: yes. Observed: 1 variant allele. Not counted in ClinVar's aggregate classification.

Geisinger Clinic, Geisinger Health System
Classification: Pathogenic for Maturity-onset diabetes of the young type 1. Last evaluated: 2022-08-02. Review status: criteria provided, single submitter. Criteria: ACMG Guidelines, 2015. Collection method: research. Allele origin: germline. Inheritance: Autosomal dominant inheritance. Affected: yes. Observed: 1 variant allele. Not counted in ClinVar's aggregate classification.
Comment: PS4, PP1_Strong, PP4_Moderate, PM2, PP3, PM1, PM5_Supporting

Genetic Services Laboratory, University of Chicago
Classification: Likely pathogenic. Last evaluated: 2022-08-08. Review status: no assertion criteria provided. Collection method: clinical testing. Allele origin: germline. Affected: yes. Not counted in ClinVar's aggregate classification.
Comment: DNA sequence analysis of the HNF4A gene demonstrated a sequence change, c.335G>A, in exon 4 that results in an amino acid change, p.Arg112Gln. The p.Arg112Gln change affects a highly conserved amino acid residue located in a domain of the HNF4A protein that is known to be functional. In-silico pathogenicity prediction tools (SIFT, PolyPhen2, Align GVGD, REVEL) provide contradictory results for the p.Arg112Gln substitution. This sequence change has been described in individuals with MODY and renal cysts (PMID: 26552609, 18356407, 31825128). This sequence change has not been described in population databases such as ExAC and gnomAD. This sequence change is the likely cause of this individual's phenotype, however functional studies have not been performed to prove this conclusively.

Literature cited by the submitters: PubMed 18356407 (cited by 4 submitters); PubMed 25306193 (cited by 3 submitters); PubMed 26552609 (cited by 3 submitters); PubMed 31825128 (cited by 4 submitters); PubMed 34789499 (cited by Ambry Genetics and Women's Health and Genetics/Laboratory Corporation of America, LabCorp); PubMed 35737141 (cited by 3 submitters); PubMed 36257325 (cited by 3 submitters); PubMed 38733153 (cited by Ambry Genetics); PubMed 39033325 (cited by Ambry Genetics); PubMed 36208030 (cited by Athena Diagnostics); PubMed 23348805 (cited by Athena Diagnostics); PubMed 24285859 (cited by Athena Diagnostics and Women's Health and Genetics/Laboratory Corporation of America, LabCorp).